The following is an entry in ClinVar:

NM_005045.4(RELN):c.1391dup (p.Ser465fs)

Genes: RELN (reelin; minus strand), LOC126860131 (MED14-independent group 3 enhancer GRCh37_chr7:103301048-103302247; plus strand). Cytogenetic location: 7q22.1.
Variant type: Duplication.
Coding change: c.1391dup on transcript NM_005045.4 (MANE Select); coding-DNA position 1391, one base duplicated (C; older notation c.1391dupC).
Protein change: p.Ser465fs; shifts the reading frame from serine 465.
Molecular consequence: frameshift variant.
Genome position (GRCh38, 1-based): chr7:103,661,426, G duplicated on the plus strand (C on the coding strand, the reverse complement: RELN is on the minus strand); the first of 2 consecutive G bases (chr7:103,661,426-103,661,427); duplicating either gives the same sequence. VCF-style (leftmost placement, unchanged base first): chr7-103661425-T-TG. GRCh37 (hg19) VCF-style: chr7-103301872-T-TG.
Other names: c.1391dup, p.Ser465fs (NM_173054.3); short protein forms S465fs.
Identifiers: ClinVar variation 3344161 (VCV003344161.1).

ClinVar aggregate classification (germline): Likely pathogenic (0 of 4 stars; one submission).

Conditions:
RELN-related disorder. Also called: RELN-related condition.

Submission:

PreventionGenetics, part of Exact Sciences
Classification: Likely pathogenic for RELN-related condition. Last evaluated: 2024-08-01. Review status: no assertion criteria provided. Collection method: clinical testing. Allele origin: germline.
Comment: The RELN c.1391dupC variant is predicted to result in a frameshift and premature protein termination (p.Ser465Ilefs*21). To our knowledge, this variant has not been reported in the literature or in a large population database, indicating this variant is rare. Frameshift variants in RELN are expected to be pathogenic. This variant is interpreted as likely pathogenic for autosomal recessive RELN-related disorders and as uncertain significance for autosomal dominant RELN-related disorders.